The following is an entry in ClinVar:

NM_000388.4(CASR):c.1618T>A (p.Ser540Thr)

Gene: CASR (calcium sensing receptor; plus strand). Cytogenetic location: 3q21.1.
Variant type: single nucleotide variant.
Coding change: c.1618T>A on transcript NM_000388.4 (MANE Select); coding-DNA position 1618, T replaced by A.
Protein change: p.Ser540Thr; replaces serine 540 with threonine.
Molecular consequence: missense variant.
Genome position (GRCh38, 1-based): chr3:122,282,122, T>A. VCF-style: chr3-122282122-T-A. GRCh37 (hg19) VCF-style: chr3-122000969-T-A.
Other names: c.1648T>A, p.Ser550Thr (NM_001178065.2); short protein forms S550T, S540T.
Identifiers: ClinVar variation 2012392 (VCV002012392.4), dbSNP rs2473272475, ClinGen allele CA354156129.

ClinVar aggregate classification (germline): Uncertain significance (1 of 4 stars; one submission).

Conditions:
Autosomal dominant hypocalcemia 1 (HYPOC1). Also called: HYPOCALCEMIA, FAMILIAL. Identifiers: MedGen C3715128, MONDO:0011013, OMIM 601198.
Familial hypocalciuric hypercalcemia (FHH). Also called: Familial benign hypercalcemia. Identifiers: Orphanet 405, MedGen C1809471, MONDO:0018458.

Submission:

Labcorp Genetics (formerly Invitae), Labcorp
Classification: Uncertain significance for Familial hypocalciuric hypercalcemia; Autosomal dominant hypocalcemia 1. Last evaluated: 2022-06-30. Review status: criteria provided, single submitter. Criteria: Invitae Variant Classification Sherloc (09022015). Collection method: clinical testing. Allele origin: germline.
Comment: This sequence change replaces serine, which is neutral and polar, with threonine, which is neutral and polar, at codon 540 of the CASR protein (p.Ser540Thr). This variant is not present in population databases (gnomAD no frequency). This variant has not been reported in the literature in individuals affected with CASR-related conditions. Algorithms developed to predict the effect of missense changes on protein structure and function are either unavailable or do not agree on the potential impact of this missense change (SIFT: "Deleterious"; PolyPhen-2: "Possibly Damaging"; Align-GVGD: "Class C0"). In summary, the available evidence is currently insufficient to determine the role of this variant in disease. Therefore, it has been classified as a Variant of Uncertain Significance.